The following is an entry in ClinVar:

NM_004565.3(PEX14):c.707C>T (p.Pro236Leu)

Gene: PEX14 (peroxisomal biogenesis factor 14; plus strand). Cytogenetic location: 1p36.22.
Variant type: single nucleotide variant.
Coding change: c.707C>T on transcript NM_004565.3 (MANE Select); coding-DNA position 707, C replaced by T.
Protein change: p.Pro236Leu; replaces proline 236 with leucine.
Molecular consequence: missense variant.
Genome position (GRCh38, 1-based): chr1:10,629,560, C>T. VCF-style: chr1-10629560-C-T. GRCh37 (hg19) VCF-style: chr1-10689617-C-T.
Other names: short protein forms P236L.
Identifiers: ClinVar variation 970080 (VCV000970080.9), dbSNP rs141373791, ClinGen allele CA583951.
Genomic context (GRCh38, chr1:10,629,560, plus strand): 5'-CACCAACCTCCTCCCCTTCTTCTCCCTCTAGGAGGCAGTTCCCTCCATCCCCATCAGCCC[C>T]GAAGATCCCCTCCTGGCAGATCCCAGTCAAGTCACCGTCACCCTCCAGCCCTGCGGCCGT-3'
Protein context (NP_004556.1, residues 226-246): RRQFPPSPSA[Pro236Leu]KIPSWQIPVK

ClinVar aggregate classification (germline): Uncertain significance. Review status: criteria provided, multiple submitters, no conflicts (2 of 4 stars). 3 submissions from 3 submitters: Uncertain significance (3). Last evaluated 2026-07-29.

Conditions:
Peroxisome biogenesis disorder, complementation group K (CGK). Identifiers: MedGen C1866257, MONDO:0800365.
PEX14-related disorder. Also called: PEX14-related condition.

Allele frequency attached by ClinVar (database versions not stated): TOPMed 0.00003; ESP Exome Variant Server 0.00015.
gnomAD v4.1: 36 of 1,613,770 alleles (0.0022%); highest among the groups gnomAD compares: Admixed American, 0.012%; 1 homozygote.

Submissions (3):

PreventionGenetics, part of Exact Sciences
Classification: Uncertain significance for PEX14-related condition. Last evaluated: 2026-07-29. Review status: criteria provided, single submitter. Criteria: ACMG Guidelines, 2015. Collection method: clinical testing. Allele origin: germline.
Comment: The PEX14 c.707C>T variant is predicted to result in the amino acid substitution p.Pro236Leu. To our knowledge, this variant has not been reported in the literature. This variant is reported in 0.017% of alleles in individuals of Latino descent in gnomAD. At this time, the clinical significance of this variant is uncertain due to the absence of conclusive functional and genetic evidence.

Blueprint Genetics
Classification: Uncertain significance. Last evaluated: 2024-10-18. Review status: criteria provided, single submitter. Criteria: ACMG Guidelines, 2015. Collection method: clinical testing. Allele origin: germline.

Labcorp Genetics (formerly Invitae), Labcorp
Classification: Uncertain significance for Peroxisome biogenesis disorder, complementation group K. Last evaluated: 2022-08-17. Review status: criteria provided, single submitter. Criteria: Invitae Variant Classification Sherloc (09022015). Collection method: clinical testing. Allele origin: germline.
Comment: This sequence change replaces proline, which is neutral and non-polar, with leucine, which is neutral and non-polar, at codon 236 of the PEX14 protein (p.Pro236Leu). This variant is present in population databases (rs141373791, gnomAD 0.02%). This variant has not been reported in the literature in individuals affected with PEX14-related conditions. ClinVar contains an entry for this variant (Variation ID: 970080). Algorithms developed to predict the effect of missense changes on protein structure and function (SIFT, PolyPhen-2, Align-GVGD) all suggest that this variant is likely to be tolerated. In summary, the available evidence is currently insufficient to determine the role of this variant in disease. Therefore, it has been classified as a Variant of Uncertain Significance.